The following is an entry in ClinVar:

NM_020708.5(SLC12A5):c.2806G>A (p.Glu936Lys)

Gene: SLC12A5 (solute carrier family 12 member 5; plus strand). Cytogenetic location: 20q13.12.
Variant type: single nucleotide variant.
Coding change: c.2806G>A on transcript NM_020708.5 (MANE Select); coding-DNA position 2806, G replaced by A.
Protein change: p.Glu936Lys; replaces glutamic acid 936 with lysine.
Molecular consequence: missense variant.
Genome position (GRCh38, 1-based): chr20:46,056,168, G>A. VCF-style: chr20-46056168-G-A. GRCh37 (hg19) VCF-style: chr20-44684807-G-A.
Other names: c.2875G>A, p.Glu959Lys (NM_001134771.2); short protein forms E936K, E959K.
Identifiers: ClinVar variation 1008133 (VCV001008133.11), dbSNP rs2084689806, ClinGen allele CA409207323.

ClinVar aggregate classification (germline): Uncertain significance (1 of 4 stars; one submission).

Conditions:
Developmental and epileptic encephalopathy, 34 (DEE34). Also called: SLC12A5-Related Epilepsy of Infancy with Migrating Focal Seizures; Early infantile epileptic encephalopathy 34. Identifiers: Orphanet 293181, MedGen C4225257, MONDO:0014718, OMIM 616645.

Submission:

Labcorp Genetics (formerly Invitae), Labcorp
Classification: Uncertain significance for Developmental and epileptic encephalopathy, 34. Last evaluated: 2020-01-28. Review status: criteria provided, single submitter. Criteria: Invitae Variant Classification Sherloc (09022015). Collection method: clinical testing. Allele origin: germline.
Comment: Algorithms developed to predict the effect of missense changes on protein structure and function (SIFT, PolyPhen-2, Align-GVGD) all suggest that this variant is likely to be tolerated, but these predictions have not been confirmed by published functional studies and their clinical significance is uncertain. This variant has not been reported in the literature in individuals with SLC12A5-related conditions. This variant is not present in population databases (ExAC no frequency). This sequence change replaces glutamic acid with lysine at codon 936 of the SLC12A5 protein (p.Glu936Lys). The glutamic acid residue is moderately conserved and there is a small physicochemical difference between glutamic acid and lysine. In summary, the available evidence is currently insufficient to determine the role of this variant in disease. Therefore, it has been classified as a Variant of Uncertain Significance.